The following is an entry in ClinVar:

NM_024301.5(FKRP):c.661dup (p.Ser221fs)

Gene: FKRP (fukutin related protein; plus strand). Cytogenetic location: 19q13.32.
Variant type: Duplication.
Coding change: c.661dup on transcript NM_024301.5 (MANE Select); coding-DNA position 661, one base duplicated (A; older notation c.661dupA).
Protein change: p.Ser221fs; shifts the reading frame from serine 221.
Molecular consequence: frameshift variant.
Genome position (GRCh38, 1-based): chr19:46,756,111, A duplicated. VCF-style (leftmost placement, unchanged base first): chr19-46756110-C-CA. GRCh37 (hg19) VCF-style: chr19-47259367-C-CA.
Other names: c.661dup, p.Ser221fs (NM_001039885.3); short protein forms S221fs.
Identifiers: ClinVar variation 1075782 (VCV001075782.7), dbSNP rs2122620867, ClinGen allele CA2499225523.
Genomic context (GRCh38, chr19:46,756,110, plus strand): 5'-GCTCCTGCGCGCCCGCGACCTCTTCAACCTCTCGGCGCCCCTGGCCCGGCCGGTGGGCAC[C>CA]AGCCTCTTTCTGCAGACCGCCCTTCGCGGCTGGGCGGTGCAGCTGCTGGACTTGACCTTC-3'

ClinVar aggregate classification (germline): Pathogenic (1 of 4 stars; one submission).

Conditions:
Walker-Warburg congenital muscular dystrophy. Also called: Muscular dystrophy-dystroglycanopathy, type A; Walker-Warburg syndrome. Identifiers: Orphanet 899, MedGen C0265221, MONDO:0000171.

Submission:

Labcorp Genetics (formerly Invitae), Labcorp
Classification: Pathogenic for Walker-Warburg congenital muscular dystrophy. Last evaluated: 2021-10-29. Review status: criteria provided, single submitter. Criteria: Invitae Variant Classification Sherloc (09022015). Collection method: clinical testing. Allele origin: germline.
Comment: This variant has not been reported in the literature in individuals affected with FKRP-related conditions. For these reasons, this variant has been classified as Pathogenic. This variant disrupts a region of the FKRP protein in which other variant(s) (p.Trp432*) have been determined to be pathogenic (Invitae). This suggests that this is a clinically significant region of the protein, and that variants that disrupt it are likely to be disease-causing. ClinVar contains an entry for this variant (Variation ID: 1075782). This variant is not present in population databases (gnomAD no frequency). This sequence change creates a premature translational stop signal (p.Ser221Lysfs*38) in the FKRP gene. While this is not anticipated to result in nonsense mediated decay, it is expected to disrupt the last 275 amino acid(s) of the FKRP protein.